The following is an entry in ClinVar:

NM_001039348.3(EFEMP1):c.234T>A (p.Ile78=)

Gene: EFEMP1 (EGF-like fibulin extracellular matrix protein 1; minus strand). Cytogenetic location: 2p16.1.
Variant type: single nucleotide variant.
Coding change: c.234T>A on transcript NM_001039348.3 (MANE Select); coding-DNA position 234, T replaced by A.
Protein change: p.Ile78=; no amino-acid change (isoleucine 78 retained).
Molecular consequence: synonymous variant.
Genome position (GRCh38, 1-based): chr2:55,917,948, A>T on the plus strand (T>A on the coding strand, the complement: EFEMP1 is on the minus strand). VCF-style: chr2-55917948-A-T. GRCh37 (hg19) VCF-style: chr2-56145083-A-T.
Other names: c.234T>A, p.Ile78= (NM_001039349.3); c.234T>A (NM_001039348.2).
Identifiers: ClinVar variation 4955242 (VCV004955242.2).
Genomic context (GRCh38, chr2:55,917,948, plus strand): 5'-GGTTGCCCCTGAGGTTCCTTCTGCTGGTTGTGTTTCCTGCTGAGGCTGTTCATTATTGAC[A>T]ATAATCTGGGCTGTTTTCGGAAGGCAGAGGTATCCTCCATAGTGGTTGACACACTTCATT-3'
Protein context (NP_001034437.1, residues 68-88): YLCLPKTAQI[Ile78=]VNNEQPQQET

ClinVar aggregate classification (germline): Likely benign. Review status: criteria provided, multiple submitters, no conflicts (2 of 4 stars). 2 submissions from 2 submitters: Likely benign (2). Last evaluated 2025-07-19.

Conditions:
EFEMP1-related disorder. Also called: EFEMP1-related condition.

gnomAD v4.1: 8 of 1,614,070 alleles (0.0005%); highest among the groups gnomAD compares: Non-Finnish European, 0.00068%; no homozygotes.

Submissions (2):

PreventionGenetics, part of Exact Sciences
Classification: Likely benign for EFEMP1-related condition. Last evaluated: 2025-07-19. Review status: criteria provided, single submitter. Criteria: ACMG Guidelines, 2015. Collection method: clinical testing. Allele origin: germline.
Comment: This variant is classified as likely benign based on ACMG/AMP sequence variant interpretation guidelines (Richards et al. 2015 PMID: 25741868, with internal and published modifications).

Blueprint Genetics
Classification: Likely benign. Last evaluated: 2021-01-15. Review status: criteria provided, single submitter. Criteria: ACMG Guidelines, 2015. Collection method: clinical testing. Allele origin: germline.